The following is an entry in ClinVar:

ClinVar aggregate classification (germline): Uncertain significance (1 of 4 stars; one submission).

Conditions:
Hereditary spastic paraplegia 48. Also called: SPASTIC PARAPLEGIA 48, AUTOSOMAL RECESSIVE; Spastic paraplegia 48. Identifiers: Orphanet 306511, MedGen C3150901, MONDO:0013342, OMIM 613647.

Allele frequency attached by ClinVar (database versions not stated): gnomAD 0.00001; TOPMed 0.00002.
gnomAD v4.1: 28 of 1,612,266 alleles (0.0017%); highest among the groups gnomAD compares: Non-Finnish European, 0.0022%; no homozygotes.

Submission:

Labcorp Genetics (formerly Invitae), Labcorp
Classification: Uncertain significance for Hereditary spastic paraplegia 48. Last evaluated: 2022-05-04. Review status: criteria provided, single submitter. Criteria: Invitae Variant Classification Sherloc (09022015). Collection method: clinical testing. Allele origin: germline.
Comment: This sequence change replaces isoleucine, which is neutral and non-polar, with leucine, which is neutral and non-polar, at codon 747 of the AP5Z1 protein (p.Ile747Leu). This variant is present in population databases (rs762894286, gnomAD 0.007%). This variant has not been reported in the literature in individuals affected with AP5Z1-related conditions. Algorithms developed to predict the effect of missense changes on protein structure and function are either unavailable or do not agree on the potential impact of this missense change (SIFT: "Deleterious"; PolyPhen-2: "Benign"; Align-GVGD: "Class C0"). In summary, the available evidence is currently insufficient to determine the role of this variant in disease. Therefore, it has been classified as a Variant of Uncertain Significance.

NM_014855.3(AP5Z1):c.2239A>C (p.Ile747Leu)

Gene: AP5Z1 (adaptor related protein complex 5 subunit zeta 1; plus strand). Cytogenetic location: 7p22.1.
Variant type: single nucleotide variant.
Coding change: c.2239A>C on transcript NM_014855.3 (MANE Select); coding-DNA position 2239, A replaced by C.
Protein change: p.Ile747Leu; replaces isoleucine 747 with leucine.
Molecular consequence: missense variant. On other transcripts: non-coding transcript variant (1).
Genome position (GRCh38, 1-based): chr7:4,791,200, A>C. VCF-style: chr7-4791200-A-C. GRCh37 (hg19) VCF-style: chr7-4830831-A-C.
Other names: c.1771A>C, p.Ile591Leu (NM_001364858.1); short protein forms I747L, I591L.
Identifiers: ClinVar variation 2049475 (VCV002049475.1), dbSNP rs762894286, ClinGen allele CA4138394.
Genomic context (GRCh38, chr7:4,791,200, plus strand): 5'-AGGACCCTGGCTCACAGTCCAGCCACCAGCTCCACGCACAGCGAGGAGGGCGCGGAAGCC[A>C]TCCGTACCCGGGCCACAGAGCTGCTGACCCTGCTGAAGATGCCTAGCGTGGCCCAGTTTG-3'
Protein context (NP_055670.1, residues 737-757): STHSEEGAEA[Ile747Leu]RTRATELLTL